The following is an entry in ClinVar:

NM_015450.3(POT1):c.273G>A (p.Lys91=)

Gene: POT1 (protection of telomeres 1; minus strand). Cytogenetic location: 7q31.33.
Variant type: single nucleotide variant.
Coding change: c.273G>A on transcript NM_015450.3 (MANE Select); coding-DNA position 273, G replaced by A.
Protein change: p.Lys91=; no amino-acid change (lysine 91 retained).
Molecular consequence: synonymous variant. On other transcripts: 5 prime UTR variant (1), non-coding transcript variant (3).
Genome position (GRCh38, 1-based): chr7:124,863,623, C>T on the plus strand (G>A on the coding strand, the complement: POT1 is on the minus strand). VCF-style: chr7-124863623-C-T. GRCh37 (hg19) VCF-style: chr7-124503677-C-T.
Other names: c.-121G>A (NM_001042594.2).
Identifiers: ClinVar variation 1086101 (VCV001086101.16), dbSNP rs748016795, ClinGen allele CA4465462.

ClinVar aggregate classification (germline): Likely benign. Review status: criteria provided, multiple submitters, no conflicts (2 of 4 stars). 3 submissions from 3 submitters: Likely benign (3). Last evaluated 2026-01-26.

Conditions:
Hereditary cancer-predisposing syndrome. Also called: Neoplastic Syndromes, Hereditary; Tumor predisposition; Hereditary neoplastic syndrome; Hereditary Cancer Syndrome. Identifiers: Orphanet 140162, MedGen C0027672, MeSH D009386, MONDO:0015356.
Tumor predisposition syndrome 3 (TPDS3). Also called: Melanoma, cutaneous malignant, susceptibility to, 10; Glioma susceptibility 9; LONG TELOMERE SYNDROME, POT1-RELATED; POT1 Tumor Predisposition. Identifiers: Orphanet 618, MedGen C4014476, MONDO:0014368, OMIM 615848.

Allele frequency attached by ClinVar (database versions not stated): gnomAD exomes below 0.00001 and 0.00001; ExAC 0.00002.
gnomAD v4.1: 6 of 1,610,144 alleles (0.00037%); highest among the groups gnomAD compares: Non-Finnish European, 0.00051%; no homozygotes.

Submissions (3):

Labcorp Genetics (formerly Invitae), Labcorp
Classification: Likely benign for Tumor predisposition syndrome 3. Last evaluated: 2026-01-26. Review status: criteria provided, single submitter. Criteria: Invitae Variant Classification Sherloc (09022015). Collection method: clinical testing. Allele origin: germline.

CeGaT Center for Human Genetics Tuebingen
Classification: Likely benign. Last evaluated: 2025-12-01. Review status: criteria provided, single submitter. Criteria: CeGaT Center For Human Genetics Tuebingen Variant Classification Criteria Version 2. Collection method: clinical testing. Allele origin: germline. Affected: yes. Observed: 1 variant allele.
Comment: POT1: BP4, BP7

Ambry Genetics
Classification: Likely benign for Hereditary cancer-predisposing syndrome. Last evaluated: 2020-12-21. Review status: criteria provided, single submitter. Criteria: Ambry Variant Classification Scheme 2023. Collection method: clinical testing. Allele origin: germline.